The following is an entry in ClinVar:

ClinVar aggregate classification (germline): Uncertain significance (1 of 4 stars; one submission).

Allele frequency attached by ClinVar (database versions not stated): TOPMed 0.00002.

Submission:

Labcorp Genetics (formerly Invitae), Labcorp
Classification: Uncertain significance. Last evaluated: 2023-12-02. Review status: criteria provided, single submitter. Criteria: Invitae Variant Classification Sherloc (09022015). Collection method: clinical testing. Allele origin: germline.
Comment: This sequence change replaces glutamic acid, which is acidic and polar, with lysine, which is basic and polar, at codon 69 of the ALPK3 protein (p.Glu69Lys). This variant is present in population databases (no rsID available, gnomAD 0.003%). This variant has not been reported in the literature in individuals affected with ALPK3-related conditions. ClinVar contains an entry for this variant (Variation ID: 2155215). An algorithm developed to predict the effect of missense changes on protein structure and function (PolyPhen-2) suggests that this variant is likely to be tolerated. In summary, the available evidence is currently insufficient to determine the role of this variant in disease. Therefore, it has been classified as a Variant of Uncertain Significance.

NC_000015.10:g.84817051G>A

Gene: ALPK3 (alpha kinase 3; plus strand). Cytogenetic location: 15q25.3.
Variant type: single nucleotide variant.
Genome position: GRCh38 VCF-style: chr15-84817051-G-A. GRCh37 (hg19) VCF-style: chr15-85360282-G-A.
Identifiers: ClinVar variation 2155215 (VCV002155215.4), dbSNP rs1276759260, ClinGen allele CA393368430.